The following is an entry in ClinVar:

NM_005219.5(DIAPH1):c.3559A>C (p.Ile1187Leu)

Gene: DIAPH1 (diaphanous related formin 1; minus strand). Cytogenetic location: 5q31.3.
Variant type: single nucleotide variant.
Coding change: c.3559A>C on transcript NM_005219.5 (MANE Select); coding-DNA position 3559, A replaced by C.
Protein change: p.Ile1187Leu; replaces isoleucine 1187 with leucine.
Molecular consequence: missense variant.
Genome position (GRCh38, 1-based): chr5:141,526,053, T>G on the plus strand (A>C on the coding strand, the complement: DIAPH1 is on the minus strand). VCF-style: chr5-141526053-T-G. GRCh37 (hg19) VCF-style: chr5-140905620-T-G.
Other names: c.3532A>C, p.Ile1178Leu (NM_001079812.3); c.3559A>C, p.Ile1187Leu (NM_001314007.2); short protein forms I1178L, I1187L.
Identifiers: ClinVar variation 2938709 (VCV002938709.3), dbSNP rs370443000, ClinGen allele CA3478759.

ClinVar aggregate classification (germline): Uncertain significance (1 of 4 stars; one submission).

Conditions:
Progressive microcephaly-seizures-cortical blindness-developmental delay syndrome. Also called: Seizures, cortical blindness, and microcephaly syndrome. Identifiers: Orphanet 477814, MedGen C5567650, MONDO:0014714, OMIM 616632.
Autosomal dominant nonsyndromic hearing loss 1. Also called: KONIGSMARK SYNDROME; DEAFNESS, AUTOSOMAL DOMINANT 1, WITH OR WITHOUT THROMBOCYTOPENIA. Identifiers: Orphanet 90635, MedGen C1852282, MONDO:0007424, OMIM 124900.

Allele frequency attached by ClinVar (database versions not stated): ExAC 0.00001; gnomAD 0.00001; ESP Exome Variant Server 0.00008.

Submission:

Labcorp Genetics (formerly Invitae), Labcorp
Classification: Uncertain significance for Progressive microcephaly-seizures-cortical blindness-developmental delay syndrome; Autosomal dominant nonsyndromic hearing loss 1. Last evaluated: 2025-05-24. Review status: criteria provided, single submitter. Criteria: Invitae Variant Classification Sherloc (09022015). Collection method: clinical testing. Allele origin: germline.
Comment: This sequence change replaces isoleucine, which is neutral and non-polar, with leucine, which is neutral and non-polar, at codon 1187 of the DIAPH1 protein (p.Ile1187Leu). This variant is present in population databases (rs370443000, gnomAD 0.0009%). This variant has not been reported in the literature in individuals affected with DIAPH1-related conditions. ClinVar contains an entry for this variant (Variation ID: 2938709). An algorithm developed to predict the effect of missense changes on protein structure and function (PolyPhen-2) suggests that this variant is likely to be tolerated. In summary, the available evidence is currently insufficient to determine the role of this variant in disease. Therefore, it has been classified as a Variant of Uncertain Significance.